The following is an entry in ClinVar:

NM_000170.3(GLDC):c.633C>A (p.Tyr211Ter)

Gene: GLDC (glycine decarboxylase; minus strand). Cytogenetic location: 9p24.1.
Variant type: single nucleotide variant.
Coding change: c.633C>A on transcript NM_000170.3 (MANE Select); coding-DNA position 633, C replaced by A.
Protein change: p.Tyr211Ter; replaces tyrosine 211 with a stop codon.
Molecular consequence: nonsense.
Genome position (GRCh38, 1-based): chr9:6,610,194, G>T on the plus strand (C>A on the coding strand, the complement: GLDC is on the minus strand). VCF-style: chr9-6610194-G-T. GRCh37 (hg19) VCF-style: chr9-6610194-G-T.
Other names: short protein forms Y211*.
Identifiers: ClinVar variation 984012 (VCV000984012.3), dbSNP rs776895767, ClinGen allele CA372898106.

ClinVar aggregate classification (germline): Likely pathogenic (1 of 4 stars; one submission).

Conditions:
Glycine encephalopathy. Also called: Non-ketotic hyperglycinemia; Nonketotic hyperglycinemia. Identifiers: Orphanet 407, MedGen C0751748, MONDO:0011612, HP:0008288.

Submission:

Myriad Genetics, Inc.
Classification: Likely pathogenic for Glycine encephalopathy 1. Last evaluated: 2019-01-30. Review status: criteria provided, single submitter. Criteria: Myriad Women's Health Autosomal Recessive and X-Linked Classification Criteria (2019). Collection method: clinical testing. Allele origin: unknown.
Comment: NM_000170.2(GLDC):c.633C>A(Y211*) is expected to be pathogenic in the context of GLDC-related glycine encephalopathy. This variant is predicted to lead to an abnormal or absent protein product due to the creation of a premature termination codon in GLDC, a gene where loss-of-function variants are known to be pathogenic. Please note: this variant was assessed in the context of healthy population screening.